The following is an entry in ClinVar:

NM_022114.4(PRDM16):c.638G>C (p.Gly213Ala)

Gene: PRDM16 (PR/SET domain 16; plus strand). Cytogenetic location: 1p36.32.
Variant type: single nucleotide variant.
Coding change: c.638G>C on transcript NM_022114.4 (MANE Select); coding-DNA position 638, G replaced by C.
Protein change: p.Gly213Ala; replaces glycine 213 with alanine.
Molecular consequence: missense variant.
Genome position (GRCh38, 1-based): chr1:3,396,555, G>C. VCF-style: chr1-3396555-G-C. GRCh37 (hg19) VCF-style: chr1-3313119-G-C.
Other names: c.638G>C, p.Gly213Ala (NM_199454.3); short protein forms G213A.
Identifiers: ClinVar variation 5037773 (VCV005037773.1).

ClinVar aggregate classification (germline): VUS-low (1 of 4 stars; one submission).

Conditions:
Left ventricular noncompaction 8 (LVNC8). Identifiers: Orphanet 154, Orphanet 54260, MedGen C3809288, MONDO:0014152, OMIM 615373.

Submission:

Center for Molecular Medicine, Children’s Hospital of Fudan University
Classification: VUS-low for Left ventricular noncompaction 8. Last evaluated: 2025-12-12. Review status: criteria provided, single submitter. Criteria: ACMG Guidelines 2015. Collection method: clinical testing. Allele origin: maternal. Affected: yes.
Comment: PM2_PP